The following is an entry in ClinVar:

NM_001369.3(DNAH5):c.5643_5646delinsAGATGTGTATAAGAGACAGT (p.Glu1882fs)

Gene: DNAH5 (dynein axonemal heavy chain 5; minus strand). Cytogenetic location: 5p15.2.
Variant type: Indel.
Coding change: c.5643_5646delinsAGATGTGTATAAGAGACAGT on transcript NM_001369.3 (MANE Select); coding-DNA positions 5643 to 5646, GGAA replaced by AGATGTGTATAAGAGACAGT.
Protein change: p.Glu1882fs; shifts the reading frame from glutamic acid 1882.
Molecular consequence: frameshift variant.
Genome position (GRCh38, 1-based): chr5:13,840,969-13,840,972, TTCC replaced by ACTGTCTCTTATACACATCT on the plus strand (GGAA replaced by AGATGTGTATAAGAGACAGT on the coding strand, the reverse complement: DNAH5 is on the minus strand). VCF-style: chr5-13840969-TTCC-ACTGTCTCTTATACACATCT. GRCh37 (hg19) VCF-style: chr5-13841078-TTCC-ACTGTCTCTTATACACATCT.
Other names: short protein forms E1882fs.
Identifiers: ClinVar variation 5010914 (VCV005010914.1).

ClinVar aggregate classification (germline): Pathogenic (1 of 4 stars; one submission).

Conditions:
Primary ciliary dyskinesia 3. Identifiers: Orphanet 244, MedGen C1837618, MONDO:0012085, OMIM 608644.

Submission:

Myriad Genetics, Inc.
Classification: Pathogenic for Primary ciliary dyskinesia 3. Last evaluated: 2024-05-14. Review status: criteria provided, single submitter. Criteria: Myriad Autosomal Dominant, Autosomal Recessive and X-Linked Classification Criteria (2023). Collection method: clinical testing. Allele origin: unknown.
Comment: NM_001369.2(DNAH5):c.5643_5646del4ins20(E1882Dfs*25) is expected to be pathogenic in the context of primary ciliary dyskinesia, DNAH5-related. This variant is predicted to lead to an abnormal or absent protein product due to the creation of a premature termination codon in DNAH5, a gene where loss-of-function variants are known to be pathogenic. Please note: this variant was assessed in the context of healthy population screening.